The following is an entry in ClinVar:

NM_001680.5(FXYD2):c.173G>A (p.Arg58His)

Genes: FXYD6-FXYD2 (FXYD6-FXYD2 readthrough; minus strand), FXYD2 (FXYD domain containing ion transport regulator 2; minus strand). Cytogenetic location: 11q23.3.
Variant type: single nucleotide variant.
Coding change: c.173G>A on transcript NM_001680.5 (MANE Select); coding-DNA position 173, G replaced by A.
Protein change: p.Arg58His; replaces arginine 58 with histidine.
Molecular consequence: missense variant. On other transcripts: 3 prime UTR variant (1).
Genome position (GRCh38, 1-based): chr11:117,820,862, C>T on the plus strand (G>A on the coding strand, the complement: FXYD2 is on the minus strand). VCF-style: chr11-117820862-C-T. GRCh37 (hg19) VCF-style: chr11-117691577-C-T.
Other names: c.407G>A, p.Arg136His (NM_001204268.3); c.*6G>A (NM_001243598.4); c.167G>A, p.Arg56His (NM_021603.4); short protein forms R56H, R58H, R136H.
Identifiers: ClinVar variation 2197713 (VCV002197713.5), dbSNP rs761860028, ClinGen allele CA6297774.

ClinVar aggregate classification (germline): Uncertain significance. Review status: criteria provided, multiple submitters, no conflicts (2 of 4 stars). 2 submissions from 2 submitters: Uncertain significance (2). Last evaluated 2024-05-24.

Conditions:
Renal hypomagnesemia 2 (HOMG2). Also called: MAGNESIUM LOSS, ISOLATED RENAL. Identifiers: Orphanet 34528, MedGen C1835171, MONDO:0007937, OMIM 154020.

Allele frequency attached by ClinVar (database versions not stated): ExAC 0.00002; gnomAD 0.00002; TOPMed 0.00002.
gnomAD v4.1: 12 of 1,613,550 alleles (0.00074%); highest among the groups gnomAD compares: Admixed American, 0.0017%; no homozygotes.

Submissions (2):

Labcorp Genetics (formerly Invitae), Labcorp
Classification: Uncertain significance. Last evaluated: 2024-05-24. Review status: criteria provided, single submitter. Criteria: Invitae Variant Classification Sherloc (09022015). Collection method: clinical testing. Allele origin: germline.
Comment: This sequence change replaces arginine, which is basic and polar, with histidine, which is basic and polar, at codon 58 of the FXYD2 protein (p.Arg58His). This variant is present in population databases (rs761860028, gnomAD 0.007%). This variant has not been reported in the literature in individuals affected with FXYD2-related conditions. ClinVar contains an entry for this variant (Variation ID: 2197713). Algorithms developed to predict the effect of missense changes on protein structure and function output the following: SIFT: "Not Available"; PolyPhen-2: "Benign"; Align-GVGD: "Not Available". The histidine amino acid residue is found in multiple mammalian species, which suggests that this missense change does not adversely affect protein function. In summary, the available evidence is currently insufficient to determine the role of this variant in disease. Therefore, it has been classified as a Variant of Uncertain Significance.

Fulgent Genetics
Classification: Uncertain significance for Renal hypomagnesemia 2. Last evaluated: 2024-03-01. Review status: criteria provided, single submitter. Criteria: ACMG Guidelines, 2015. Collection method: clinical testing. Allele origin: germline.